The following is an entry in ClinVar:

NM_001042681.2(RERE):c.3406C>T (p.His1136Tyr)

Gene: RERE (arginine-glutamic acid dipeptide repeats; minus strand). Cytogenetic location: 1p36.23.
Variant type: single nucleotide variant.
Coding change: c.3406C>T on transcript NM_001042681.2 (MANE Select); coding-DNA position 3406, C replaced by T.
Protein change: p.His1136Tyr; replaces histidine 1136 with tyrosine.
Molecular consequence: missense variant.
Genome position (GRCh38, 1-based): chr1:8,359,976, G>A on the plus strand (C>T on the coding strand, the complement: RERE is on the minus strand). VCF-style: chr1-8359976-G-A. GRCh37 (hg19) VCF-style: chr1-8420036-G-A.
Other names: c.1744C>T, p.His582Tyr (NM_001042682.2); c.3406C>T, p.His1136Tyr (NM_012102.4); short protein forms H1136Y, H582Y.
Identifiers: ClinVar variation 2580050 (VCV002580050.2), dbSNP rs1482200788, ClinGen allele CA338170644.

ClinVar aggregate classification (germline): Uncertain significance (1 of 4 stars; one submission).

Allele frequency attached by ClinVar (database versions not stated): gnomAD 0.00001; TOPMed 0.00001.
gnomAD v4.1: 1 of 1,612,574 alleles (0.000062%); highest among the groups gnomAD compares: African/African-American, 0.0013%; no homozygotes.

Submission:

GeneDx
Classification: Uncertain significance. Last evaluated: 2025-09-09. Review status: criteria provided, single submitter. Criteria: GeneDx Variant Classification Process June 2021. Collection method: clinical testing. Allele origin: germline.
Comment: Not observed at significant frequency in large population cohorts (gnomAD); In silico analysis supports that this missense variant has a deleterious effect on protein structure/function; Has not been previously published as pathogenic or benign to our knowledge